The following is an entry in ClinVar:

ClinVar aggregate classification (germline): Pathogenic/Likely pathogenic. Review status: criteria provided, multiple submitters, no conflicts (2 of 4 stars). 8 submissions from 8 submitters: Pathogenic (5); Likely pathogenic (2). 1 of the submissions does not count toward it. Last evaluated 2026-02-03.

Conditions:
Kartagener syndrome (CILD1). Also called: IMMOTILE CILIA SYNDROME; POLYNESIAN BRONCHIECTASIS; Dextrocardia bronchiectasis and sinusitis; CILIARY DYSKINESIA, PRIMARY, 1; CILIARY DYSKINESIA, PRIMARY, 1, WITH OR WITHOUT SITUS INVERSUS; SIEWERT SYNDROME. Identifiers: Orphanet 244, MedGen C4551906, MONDO:0009484, OMIM 244400.
CCDC114-related disorders.
Primary ciliary dyskinesia 20. Also called: CILIARY DYSKINESIA, PRIMARY, 20, WITH OR WITHOUT SITUS INVERSUS. Identifiers: Orphanet 244, MedGen C3540844, MONDO:0014030, OMIM 615067.
Primary ciliary dyskinesia. Also called: Ciliary dyskinesia. Identifiers: Orphanet 244, MedGen C0008780, MONDO:0016575, HP:0012265.

Allele frequency attached by ClinVar (database versions not stated): gnomAD 0.00001; TOPMed 0.00002; gnomAD exomes 0.00006; ExAC 0.00009.

Submissions (8):

GeneDx
Classification: Pathogenic. Last evaluated: 2026-02-03. Review status: criteria provided, single submitter. Criteria: GeneDx Variant Classification Process June 2021. Collection method: clinical testing. Allele origin: germline.
Comment: Nonsense variant predicted to result in protein truncation or nonsense mediated decay in a gene for which loss of function is a known mechanism of disease; This variant is associated with the following publications: (PMID: 30067075, 31772028, 33715250)

Coskunpinar Laboratory, Saglik Bilimleri University, Hamidiye School of Medicine
Classification: Pathogenic for Kartagener syndrome. Last evaluated: 2026-02-02. Review status: criteria provided, single submitter. Criteria: ACMG Guidelines, 2015. Collection method: research. Allele origin: germline. Affected: yes. Observed: 1 variant allele, 1 homozygote.
Comment: Classification aligns with existing ClinVar pathogenic assertions (CLINVAR: VCV001324024.17). Nonsense variant in an established primary ciliary dyskinesia disease gene (OMIM:244400), predicted to result in loss of function. Classification is consistent with Qiagen Clinical Insight Interpret assessment which implements ACMG/AMP variant interpretation guidelines.

Labcorp Genetics (formerly Invitae), Labcorp
Classification: Pathogenic for Primary ciliary dyskinesia. Last evaluated: 2025-06-12. Review status: criteria provided, single submitter. Criteria: Invitae Variant Classification Sherloc (09022015). Collection method: clinical testing. Allele origin: germline.
Comment: This sequence change creates a premature translational stop signal (p.Arg113*) in the CCDC114 gene. It is expected to result in an absent or disrupted protein product. Loss-of-function variants in CCDC114 are known to be pathogenic (PMID: 23261302, 23261303). This variant is present in population databases (rs752269093, gnomAD 0.04%). This premature translational stop signal has been observed in individual(s) with clinical features of primary ciliary dyskinesia (PMID: 30067075, 33715250). This variant is also known as c.448C>T, p.Arg150Ter. ClinVar contains an entry for this variant (Variation ID: 1324024). Algorithms developed to predict the effect of sequence changes on RNA splicing suggest that this variant may disrupt the consensus splice site. For these reasons, this variant has been classified as Pathogenic.

CeGaT Center for Human Genetics Tuebingen
Classification: Pathogenic. Last evaluated: 2025-04-01. Review status: criteria provided, single submitter. Criteria: CeGaT Center For Human Genetics Tuebingen Variant Classification Criteria Version 2. Collection method: clinical testing. Allele origin: germline. Affected: yes. Observed: 3 variant alleles.
Comment: ODAD1: PVS1, PM2, PM3

Blueprint Genetics
Classification: Pathogenic for CCDC114-related disorders. Last evaluated: 2024-08-30. Review status: criteria provided, single submitter. Criteria: ACMG Guidelines, 2015. Collection method: clinical testing. Allele origin: germline. Affected: yes. Observed: 5 variant alleles.

Revvity Omics, Revvity
Classification: Likely pathogenic for Primary ciliary dyskinesia 20. Last evaluated: 2021-01-06. Review status: criteria provided, single submitter. Criteria: ACMG Guidelines, 2015. Collection method: clinical testing. Allele origin: germline.

Lifecell International Pvt. Ltd
Classification: Likely pathogenic for Primary ciliary dyskinesia 20. Review status: criteria provided, single submitter. Criteria: ACMG Guidelines, 2015. Collection method: clinical testing. Allele origin: germline. Inheritance: Autosomal recessive inheritance. Affected: yes. Observed: 1 compound heterozygote.
Comment: A Heterozygous Nonsense variant c.337C>T in Exon 4 of the ODAD1 gene that results in the amino acid substitution p.Arg113* was identified. The observed variant has a maximum allele frequency of 0.00006/0.00 % in gnomAD exomes and genomes, respectively. The severity of the impact of this variant on the protein is high, based on the effect of the protein and REVEL score . Rare Exome Variant Ensemble Learner (REVEL) is an ensembl method for predicting the pathogenicity of missense variants based on a combination of scores from 13 individual tools: MutPred, FATHMM v2.3, VEST 3.0, PolyPhen-2, SIFT, PROVEAN, MutationAssessor, MutationTaster, LRT, GERP++, SiPhy, phyloP, and phastCons. The REVEL score for an individual missense variant can range from 0 to 1, with higher scores reflecting greater likelihood that the variant is disease-causing. ClinVar has also classified this variant as Pathogenic (ClinVar: 1324024). Based on the above evidence this variant has been classified as Likely Pathogenic according to the ACMG guidelines.

Yale Center for Mendelian Genomics, Yale University
Classification: Likely pathogenic for Primary ciliary dyskinesia. Last evaluated: 2018-08-01. Review status: no assertion criteria provided. Collection method: literature only. Allele origin: germline. Affected: yes. Observed: 1 homozygote. Study: Yale Center for Mendelian Genomics. Not counted in ClinVar's aggregate classification.

Literature cited by the submitters: PubMed 23261302 (cited by Labcorp Genetics (formerly Invitae), Labcorp); PubMed 23261303 (cited by Labcorp Genetics (formerly Invitae), Labcorp); PubMed 30067075 (cited by Labcorp Genetics (formerly Invitae), Labcorp and Yale Center for Mendelian Genomics, Yale University); PubMed 33715250 (cited by Labcorp Genetics (formerly Invitae), Labcorp).

NM_001364171.2(ODAD1):c.448C>T (p.Arg150Ter)

Gene: ODAD1 (outer dynein arm docking complex subunit 1; minus strand). Cytogenetic location: 19q13.33.
Variant type: single nucleotide variant.
Coding change: c.448C>T on transcript NM_001364171.2 (MANE Select); coding-DNA position 448, C replaced by T.
Protein change: p.Arg150Ter; replaces arginine 150 with a stop codon.
Molecular consequence: nonsense.
Genome position (GRCh38, 1-based): chr19:48,312,029, G>A on the plus strand (C>T on the coding strand, the complement: ODAD1 is on the minus strand). VCF-style: chr19-48312029-G-A. GRCh37 (hg19) VCF-style: chr19-48815286-G-A.
Other names: p.Arg150*; c.337C>T, p.Arg113Ter (NM_144577.4); short protein forms R113*, R150*.
Identifiers: ClinVar variation 1324024 (VCV001324024.24), dbSNP rs752269093, ClinGen allele CA9549048.
Genomic context (GRCh38, chr19:48,312,029, plus strand): 5'-GAGGGACCAGGAGTTTGACCCTCACCCTGTCCAACTGGTTTTCTAGGATCCTGATCCTTC[G>A]CCTGATCTTGACCTTCTGATCCAGGATGAATCCCGGGGACCTGACATTCTTACTGTGGGT-3'